The following is an entry in ClinVar:

NM_017613.4(DONSON):c.839A>G (p.Tyr280Cys)

Gene: DONSON (DNA replication fork stabilization factor DONSON; minus strand). Cytogenetic location: 21q22.11.
Variant type: single nucleotide variant.
Coding change: c.839A>G on transcript NM_017613.4 (MANE Select); coding-DNA position 839, A replaced by G.
Protein change: p.Tyr280Cys; replaces tyrosine 280 with cysteine.
Molecular consequence: missense variant.
Genome position (GRCh38, 1-based): chr21:33,583,613, T>C on the plus strand (A>G on the coding strand, the complement: DONSON is on the minus strand). VCF-style: chr21-33583613-T-C. GRCh37 (hg19) VCF-style: chr21-34955919-T-C.
Other names: short protein forms Y280C.
Identifiers: ClinVar variation 1897090 (VCV001897090.5), dbSNP rs1424530479, ClinGen allele CA410137893.
Genomic context (GRCh38, chr21:33,583,613, plus strand): 5'-CTTCCAGCTAATCCTGCTGCTCGGAACAGGACAGTAAACTGATAGGTACAAACGTAGAAA[T>C]AGGGGCAAAGTTTTGTCTTCAGCAAATTATATAGAGAAGTAAAGCTCACAGACCTATGAA-3'
Protein context (NP_060083.1, residues 270-290): YNLLKTKLCP[Tyr280Cys]FYVCTYQFTV

ClinVar aggregate classification (germline): Uncertain significance (1 of 4 stars; one submission).

Allele frequency attached by ClinVar (database versions not stated): gnomAD 0.00001; gnomAD exomes 0.00001; TOPMed 0.00002.
gnomAD v4.1: 12 of 1,612,770 alleles (0.00074%); highest among the groups gnomAD compares: East Asian, 0.0067%; no homozygotes.

Submission:

Labcorp Genetics (formerly Invitae), Labcorp
Classification: Uncertain significance. Last evaluated: 2022-06-29. Review status: criteria provided, single submitter. Criteria: Invitae Variant Classification Sherloc (09022015). Collection method: clinical testing. Allele origin: germline.
Comment: This sequence change replaces tyrosine, which is neutral and polar, with cysteine, which is neutral and slightly polar, at codon 280 of the DONSON protein (p.Tyr280Cys). This variant is present in population databases (no rsID available, gnomAD 0.006%). This variant has not been reported in the literature in individuals affected with DONSON-related conditions. Algorithms developed to predict the effect of missense changes on protein structure and function are either unavailable or do not agree on the potential impact of this missense change (SIFT: "Deleterious"; PolyPhen-2: "Probably Damaging"; Align-GVGD: "Class C15"). In summary, the available evidence is currently insufficient to determine the role of this variant in disease. Therefore, it has been classified as a Variant of Uncertain Significance.